The following is an entry in ClinVar:

NM_001042492.3(NF1):c.6750del (p.Val2251fs)

Gene: NF1 (neurofibromin 1; plus strand). Cytogenetic location: 17q11.2.
Variant type: Deletion.
Coding change: c.6750del on transcript NM_001042492.3 (MANE Select); coding-DNA position 6750, one base deleted (T; older notation c.6750delT).
Protein change: p.Val2251fs; shifts the reading frame from valine 2251.
Molecular consequence: frameshift variant.
Genome position (GRCh38, 1-based): chr17:31,338,070, T deleted; the last of 2 consecutive T bases (chr17:31,338,069-31,338,070); deleting either gives the same sequence. VCF-style (leftmost placement, unchanged base first): chr17-31338068-GT-G. GRCh37 (hg19) VCF-style: chr17-29665086-GT-G.
Other names: c.6687delT, p.Val2230Serfs (NM_000267.4); short protein forms V2251fs, V2230fs.
Identifiers: ClinVar variation 2840081 (VCV002840081.3), dbSNP rs2508759219, ClinGen allele CA2739267433.

ClinVar aggregate classification (germline): Pathogenic (1 of 4 stars; one submission).

Conditions:
Neurofibromatosis, type 1 (NF1). Also called: Neurofibromatosis, type I; VON RECKLINGHAUSEN DISEASE; NEUROFIBROMATOSIS, TYPE I, SOMATIC; Peripheral type neurofibromatosis. Identifiers: Orphanet 636, MedGen C0027831, MONDO:0018975, OMIM 162200. Disease mechanism: loss of function.

Submission:

Labcorp Genetics (formerly Invitae), Labcorp
Classification: Pathogenic for Neurofibromatosis, type 1. Last evaluated: 2023-09-10. Review status: criteria provided, single submitter. Criteria: Invitae Variant Classification Sherloc (09022015). Collection method: clinical testing. Allele origin: germline.
Comment: This variant is not present in population databases (gnomAD no frequency). This sequence change creates a premature translational stop signal (p.Val2230Serfs*14) in the NF1 gene. It is expected to result in an absent or disrupted protein product. Loss-of-function variants in NF1 are known to be pathogenic (PMID: 10712197, 23913538). This premature translational stop signal has been observed in individual(s) with clinical features of neurofibromatosis type 1 (PMID: 26740943, 31370276). Algorithms developed to predict the effect of sequence changes on RNA splicing suggest that this variant may disrupt the consensus splice site. For these reasons, this variant has been classified as Pathogenic.

Literature cited by the submitters: PubMed 10712197; PubMed 23913538; PubMed 26740943; PubMed 31370276.